The following is an entry in ClinVar:

NM_000182.5(HADHA):c.1165del (p.Asp391fs)

Genes: GAREM2 (GRB2 associated regulator of MAPK1 subtype 2; plus strand), HADHA (hydroxyacyl-CoA dehydrogenase trifunctional multienzyme complex subunit alpha; minus strand). Cytogenetic location: 2p23.3.
Variant type: Deletion.
Coding change: c.1165del on transcript NM_000182.5 (MANE Select); coding-DNA position 1165, one base deleted (C; older notation c.1165delC).
Protein change: p.Asp391fs; shifts the reading frame from aspartic acid 391.
Molecular consequence: frameshift variant.
Genome position (GRCh38, 1-based): chr2:26,204,117, G deleted on the plus strand (C on the coding strand, the reverse complement: HADHA is on the minus strand). VCF-style (leftmost placement, unchanged base first): chr2-26204116-AG-A. GRCh37 (hg19) VCF-style: chr2-26426985-AG-A.
Other names: short protein forms D391fs.
Identifiers: ClinVar variation 3241732 (VCV003241732.2), dbSNP rs2465540902.

ClinVar aggregate classification (germline): Pathogenic/Likely pathogenic. Review status: criteria provided, multiple submitters, no conflicts (2 of 4 stars). 2 submissions from 2 submitters: Pathogenic (1); Likely pathogenic (1). Last evaluated 2025-01-04.

Conditions:
Long chain 3-hydroxyacyl-CoA dehydrogenase deficiency. Also called: Deficiency of long-chain 3-hydroxyacyl-coenzyme A dehydrogenase; LCHAD Deficiency. Identifiers: Orphanet 5, MedGen C3711645, MONDO:0012173, OMIM 609016.

Submissions (2):

Myriad Genetics, Inc.
Classification: Pathogenic for Long chain 3-hydroxyacyl-CoA dehydrogenase deficiency. Last evaluated: 2025-01-04. Review status: criteria provided, single submitter. Criteria: Myriad Autosomal Dominant, Autosomal Recessive and X-Linked Classification Criteria (2023). Collection method: clinical testing. Allele origin: unknown.
Comment: NM_000182.4(HADHA):c.1165delC(D391Mfs*7) is expected to be pathogenic in the context of HADHA-related disorders. This variant is predicted to lead to an abnormal or absent protein product due to the creation of a premature termination codon in HADHA, a gene where loss-of-function variants are known to be pathogenic. Please note: this variant was assessed in the context of healthy population screening.

Baylor Genetics
Classification: Likely pathogenic for Long chain 3-hydroxyacyl-CoA dehydrogenase deficiency. Last evaluated: 2023-12-11. Review status: criteria provided, single submitter. Criteria: ACMG Guidelines, 2015. Collection method: clinical testing. Allele origin: unknown.